The following is an entry in ClinVar:

NM_199355.4(ADAMTS18):c.2435del (p.Phe812fs)

Gene: ADAMTS18 (ADAM metallopeptidase with thrombospondin type 1 motif 18; minus strand). Cytogenetic location: 16q23.1.
Variant type: Deletion.
Coding change: c.2435del on transcript NM_199355.4 (MANE Select); coding-DNA position 2435, one base deleted (T; older notation c.2435delT).
Protein change: p.Phe812fs; shifts the reading frame from phenylalanine 812.
Molecular consequence: frameshift variant.
Genome position (GRCh38, 1-based): chr16:77,319,946, A deleted on the plus strand (T on the coding strand, the reverse complement: ADAMTS18 is on the minus strand); the first of 2 consecutive A bases (chr16:77,319,946-77,319,947); deleting either gives the same sequence. VCF-style (leftmost placement, unchanged base first): chr16-77319945-GA-G. GRCh37 (hg19) VCF-style: chr16-77353842-GA-G.
Other names: c.1919del, p.Phe640fs (NM_001326358.2); short protein forms F640fs, F812fs.
Identifiers: ClinVar variation 2129361 (VCV002129361.4), dbSNP rs2543644692, ClinGen allele CA2580092113.
Genomic context (GRCh38, chr16:77,319,945, plus strand): 5'-GTACAGACGTTCCGGGCGGTTGAAAGAGCGCTGGTATTCAAACGTGGTCCCAGCGAAGGG[GA>G]ACTCCCCAGGCCAGTCGATGCTCCAGCCCCCGGTGAGGTAATACTTTTGACTGAGGCTTC-3'

ClinVar aggregate classification (germline): Pathogenic (1 of 4 stars; one submission).

Submission:

Labcorp Genetics (formerly Invitae), Labcorp
Classification: Pathogenic. Last evaluated: 2025-06-02. Review status: criteria provided, single submitter. Criteria: Invitae Variant Classification Sherloc (09022015). Collection method: clinical testing. Allele origin: germline.
Comment: This sequence change creates a premature translational stop signal (p.Phe812Serfs*35) in the ADAMTS18 gene. It is expected to result in an absent or disrupted protein product. Loss-of-function variants in ADAMTS18 are known to be pathogenic (PMID: 23818446, 24874986). This variant is not present in population databases (gnomAD no frequency). This variant has not been reported in the literature in individuals affected with ADAMTS18-related conditions. ClinVar contains an entry for this variant (Variation ID: 2129361). For these reasons, this variant has been classified as Pathogenic.

Literature cited by the submitters: PubMed 23818446; PubMed 24874986.